The following is an entry in ClinVar:

ClinVar aggregate classification (germline): Likely benign. Review status: criteria provided, multiple submitters, no conflicts (2 of 4 stars). 5 submissions from 5 submitters: Likely benign (5). Last evaluated 2026-06-01.

Conditions:
Familial thoracic aortic aneurysm and aortic dissection (TAAD). Also called: Thoracic aortic aneurysms and dissections. Identifiers: Orphanet 91387, MedGen C4707243, MONDO:0019625.
Marfan syndrome (MFS). Also called: Marfan syndrome type 1; Marfan's syndrome; FBN1-Related Marfan Syndrome; MARFAN SYNDROME, TYPE I; Marfan syndrome, classic. Identifiers: Orphanet 284963, Orphanet 558, MedGen C0024796, MONDO:0007947, OMIM 154700.

Allele frequency attached by ClinVar (database versions not stated): gnomAD exomes below 0.00001; gnomAD 0.00001.
gnomAD v4.1: 3 of 1,613,686 alleles (0.00019%); highest among the groups gnomAD compares: Non-Finnish European, 0.00025%; no homozygotes.

Submissions (5):

CeGaT Center for Human Genetics Tuebingen
Classification: Likely benign. Last evaluated: 2026-06-01. Review status: criteria provided, single submitter. Criteria: CeGaT Center For Human Genetics Tuebingen Variant Classification Criteria Version 2. Collection method: clinical testing. Allele origin: germline. Affected: yes. Observed: 1 variant allele.
Comment: FBN1: BP4, BP7

Labcorp Genetics (formerly Invitae), Labcorp
Classification: Likely benign for Marfan syndrome; Familial thoracic aortic aneurysm and aortic dissection. Last evaluated: 2024-09-02. Review status: criteria provided, single submitter. Criteria: Invitae Variant Classification Sherloc (09022015). Collection method: clinical testing. Allele origin: germline.

All of Us Research Program, National Institutes of Health
Classification: Likely benign for Marfan syndrome. Last evaluated: 2023-12-01. Review status: criteria provided, single submitter. Criteria: ACMG Guidelines, 2015. Collection method: clinical testing. Allele origin: germline. Inheritance: Autosomal dominant inheritance. Observed: 2 variant alleles, 2 heterozygotes.
Comment: This study involves interpretation of variants in research participants for the purpose of population health screening. Participant phenotype was not available at the time of variant classification. Additional details can be found in publication PMID: 35346344, PMCID: PMC8962531

Color Diagnostics, LLC DBA Color Health
Classification: Likely benign for Familial thoracic aortic aneurysm and aortic dissection. Last evaluated: 2019-07-15. Review status: criteria provided, single submitter. Criteria: ACMG Guidelines, 2015. Collection method: clinical testing. Allele origin: germline.

GeneDx
Classification: Likely benign. Last evaluated: 2016-07-11. Review status: criteria provided, single submitter. Criteria: GeneDx Variant Classification (06012015). Collection method: clinical testing. Allele origin: germline. Affected: yes.
Comment: This variant is considered likely benign or benign based on one or more of the following criteria: it is a conservative change, it occurs at a poorly conserved position in the protein, it is predicted to be benign by multiple in silico algorithms, and/or has population frequency not consistent with disease.

NM_000138.5(FBN1):c.2349T>C (p.Asn783=)

Gene: FBN1 (fibrillin 1; minus strand). Cytogenetic location: 15q21.1.
Variant type: single nucleotide variant.
Coding change: c.2349T>C on transcript NM_000138.5 (MANE Select); coding-DNA position 2349, T replaced by C.
Protein change: p.Asn783=; no amino-acid change (asparagine 783 retained).
Molecular consequence: synonymous variant.
Genome position (GRCh38, 1-based): chr15:48,496,170, A>G on the plus strand (T>C on the coding strand, the complement: FBN1 is on the minus strand). VCF-style: chr15-48496170-A-G. GRCh37 (hg19) VCF-style: chr15-48788367-A-G.
Identifiers: ClinVar variation 387781 (VCV000387781.16), dbSNP rs1057522903, ClinGen allele CA16606726.